The following is an entry in ClinVar:

ClinVar aggregate classification (germline): Likely benign. Review status: criteria provided, multiple submitters, no conflicts (2 of 4 stars). 3 submissions from 3 submitters: Likely benign (3). Last evaluated 2026-09-21.

Conditions:
Cardiovascular phenotype. Identifiers: MedGen CN230736.
Aortic valve disease 2 (AOVD2). Identifiers: MedGen C3542024, MONDO:0013902, OMIM 614823.

Allele frequency attached by ClinVar (database versions not stated): gnomAD exomes 0.00002; TOPMed 0.00005; ExAC 0.00002; ESP Exome Variant Server 0.00008.
gnomAD v4.1: 69 of 1,613,764 alleles (0.0043%); highest among the groups gnomAD compares: East Asian, 0.058%; no homozygotes.

Submissions (3):

Molecular Diagnostic Laboratory for Inherited Cardiovascular Disease, Montreal Heart Institute
Classification: Likely benign. Last evaluated: 2026-09-21. Review status: criteria provided, single submitter. Criteria: ACMG Guidelines, 2015. Collection method: clinical testing. Allele origin: germline. Affected: no.
Comment: BS1;BP7

Ambry Genetics
Classification: Likely benign for Cardiovascular phenotype. Last evaluated: 2026-03-31. Review status: criteria provided, single submitter. Criteria: Ambry Variant Classification Scheme 2023. Collection method: clinical testing. Allele origin: germline.

Labcorp Genetics (formerly Invitae), Labcorp
Classification: Likely benign for Aortic valve disease 2. Last evaluated: 2024-03-05. Review status: criteria provided, single submitter. Criteria: Invitae Variant Classification Sherloc (09022015). Collection method: clinical testing. Allele origin: germline.

NM_181486.4(TBX5):c.669G>A (p.Thr223=)

Gene: TBX5 (T-box transcription factor 5; minus strand). Cytogenetic location: 12q24.21.
Variant type: single nucleotide variant.
Coding change: c.669G>A on transcript NM_181486.4 (MANE Select); coding-DNA position 669, G replaced by A.
Protein change: p.Thr223=; no amino-acid change (threonine 223 retained).
Molecular consequence: synonymous variant.
Genome position (GRCh38, 1-based): chr12:114,385,562, C>T on the plus strand (G>A on the coding strand, the complement: TBX5 is on the minus strand). VCF-style: chr12-114385562-C-T. GRCh37 (hg19) VCF-style: chr12-114823367-C-T.
Other names: c.669G>A, p.Thr223= (NM_000192.3); c.519G>A, p.Thr173= (NM_080717.4).
Identifiers: ClinVar variation 701499 (VCV000701499.12), dbSNP rs376519728, ClinGen allele CA6809533.
Genomic context (GRCh38, chr12:114,385,562, plus strand): 5'-CTCCATGTCATCACTGCCCCGAAATCCTTTGGCAAAGGGATTATTCTCAATCTTTAATTG[C>T]GTGATCTGAAGGAAAGAGGAAGAGAGAACAAGCTGGTTTTCACTTGATTGCTGCAAGACC-3'
Protein context (NP_852259.1, residues 213-233): AVTSYQNHKI[Thr223=]QLKIENNPFA